The following is an entry in ClinVar:

NM_004259.7(RECQL5):c.1985G>T (p.Gly662Val)

Gene: RECQL5 (RecQ like helicase 5; minus strand). Cytogenetic location: 17q25.1.
Variant type: single nucleotide variant.
Coding change: c.1985G>T on transcript NM_004259.7 (MANE Select); coding-DNA position 1985, G replaced by T.
Protein change: p.Gly662Val; replaces glycine 662 with valine.
Molecular consequence: missense variant.
Genome position (GRCh38, 1-based): chr17:75,629,438, C>A on the plus strand (G>T on the coding strand, the complement: RECQL5 is on the minus strand). VCF-style: chr17-75629438-C-A. GRCh37 (hg19) VCF-style: chr17-73625518-C-A.
Other names: short protein forms G662V.
Identifiers: ClinVar variation 2636849 (VCV002636849.2), dbSNP rs533692268, ClinGen allele CA8767202.
Genomic context (GRCh38, chr17:75,629,438, plus strand): 5'-GCTTGCTCCCTGATCCGAGTTGTCTCCATCAGTTCCGTGGCCGTCTGGAACGGGCAGGAG[C>A]CTTTGGGGAAACCAGCTCCCACCCGCTTGGGTTTGAGCTGTAAATGTGAGCAGGAGGAGA-3'
Protein context (NP_004250.4, residues 652-672): PKRVGAGFPK[Gly662Val]SCPFQTATEL

ClinVar aggregate classification (germline): Uncertain significance. Review status: criteria provided, multiple submitters, no conflicts (2 of 4 stars). 2 submissions from 2 submitters: Uncertain significance (2). Last evaluated 2025-08-24.

Conditions:
RECQL5-related disorder. Also called: RECQL5-related condition.

Allele frequency attached by ClinVar (database versions not stated): gnomAD exomes 0.00001; ExAC 0.00002; gnomAD 0.00012; TOPMed 0.00012; 1000 Genomes Project 0.00040; 1000 Genomes Project 30x 0.00047.
gnomAD v4.1: 29 of 1,504,840 alleles (0.0019%); highest among the groups gnomAD compares: African/African-American, 0.035%; no homozygotes.

Submissions (2):

Ambry Genetics
Classification: Uncertain significance. Last evaluated: 2025-08-24. Review status: criteria provided, single submitter. Criteria: Ambry Variant Classification Scheme 2023. Collection method: clinical testing. Allele origin: germline.

PreventionGenetics, part of Exact Sciences
Classification: Uncertain significance for RECQL5-related condition. Last evaluated: 2022-09-22. Review status: criteria provided, single submitter. Criteria: ACMG Guidelines, 2015. Collection method: clinical testing. Allele origin: germline.
Comment: The RECQL5 c.1985G>T variant is predicted to result in the amino acid substitution p.Gly662Val. To our knowledge, this variant has not been reported in the literature. This variant is reported in 0.018% of alleles in individuals of African descent in gnomAD. At this time, the clinical significance of this variant is uncertain due to the absence of conclusive functional and genetic evidence.